The following is an entry in ClinVar:

ClinVar aggregate classification (germline): Uncertain significance (1 of 4 stars; one submission).

Submission:

Labcorp Genetics (formerly Invitae), Labcorp
Classification: Uncertain significance. Last evaluated: 2024-09-14. Review status: criteria provided, single submitter. Criteria: Invitae Variant Classification Sherloc (09022015). Collection method: clinical testing. Allele origin: germline.
Comment: This sequence change replaces glutamic acid, which is acidic and polar, with aspartic acid, which is acidic and polar, at codon 1323 of the MYH3 protein (p.Glu1323Asp). This variant is not present in population databases (gnomAD no frequency). This variant has not been reported in the literature in individuals affected with MYH3-related conditions. Invitae Evidence Modeling of protein sequence and biophysical properties (such as structural, functional, and spatial information, amino acid conservation, physicochemical variation, residue mobility, and thermodynamic stability) indicates that this missense variant is not expected to disrupt MYH3 protein function with a negative predictive value of 95%. In summary, the available evidence is currently insufficient to determine the role of this variant in disease. Therefore, it has been classified as a Variant of Uncertain Significance.

NM_002470.4(MYH3):c.3969G>C (p.Glu1323Asp)

Gene: MYH3 (myosin heavy chain 3; minus strand). Cytogenetic location: 17p13.1.
Variant type: single nucleotide variant.
Coding change: c.3969G>C on transcript NM_002470.4 (MANE Select); coding-DNA position 3969, G replaced by C.
Protein change: p.Glu1323Asp; replaces glutamic acid 1323 with aspartic acid.
Molecular consequence: missense variant.
Genome position (GRCh38, 1-based): chr17:10,635,741, C>G on the plus strand (G>C on the coding strand, the complement: MYH3 is on the minus strand). VCF-style: chr17-10635741-C-G. GRCh37 (hg19) VCF-style: chr17-10539058-C-G.
Other names: short protein forms E1323D.
Identifiers: ClinVar variation 3634446 (VCV003634446.2).